The following is an entry in ClinVar:

NM_002838.5(PTPRC):c.1628A>T (p.Asp543Val)

Gene: PTPRC (protein tyrosine phosphatase receptor type C; plus strand). Cytogenetic location: 1q32.1.
Variant type: single nucleotide variant.
Coding change: c.1628A>T on transcript NM_002838.5 (MANE Select); coding-DNA position 1628, A replaced by T.
Protein change: p.Asp543Val; replaces aspartic acid 543 with valine.
Molecular consequence: missense variant.
Genome position (GRCh38, 1-based): chr1:198,718,271, A>T. VCF-style: chr1-198718271-A-T. GRCh37 (hg19) VCF-style: chr1-198687400-A-T.
Other names: c.1145A>T, p.Asp382Val (NM_080921.4); short protein forms D543V, D382V.
Identifiers: ClinVar variation 851164 (VCV000851164.8), dbSNP rs1653699172, ClinGen allele CA344039585.
Genomic context (GRCh38, chr1:198,718,271, plus strand): 5'-AAGCTGGAAATACTCTGGTTAGAAATGAGTCGCATAAGAATTGCGATTTCCGTGTAAAAG[A>T]TCTTCAATATTCAACAGACTACACTTTTAAGGTAAAAGTATGCTCTCTACATTACTATAG-3'
Protein context (NP_002829.3, residues 533-553): SHKNCDFRVK[Asp543Val]LQYSTDYTFK

ClinVar aggregate classification (germline): Uncertain significance (1 of 4 stars; one submission).

Conditions:
Immunodeficiency 104. Also called: IMMUNODEFICIENCY 104, SEVERE COMBINED; SCID, AUTOSOMAL RECESSIVE, T CELL-NEGATIVE, B CELL-POSITIVE, NK CELL-POSITIVE; Severe Combined Immune Deficiency, Autosomal Recessive, TCell -Negative, B Cell-Positive, NK Cell-Positive, IL7R-Related; Severe combined immunodeficiency, autosomal recessive, T cell-negative, B cell-positive, NK cell-positive. Identifiers: MedGen C5676890, MONDO:0012163, OMIM 608971.

Submission:

Labcorp Genetics (formerly Invitae), Labcorp
Classification: Uncertain significance for Immunodeficiency 104. Last evaluated: 2019-01-26. Review status: criteria provided, single submitter. Criteria: Invitae Variant Classification Sherloc (09022015). Collection method: clinical testing. Allele origin: germline.
Comment: In summary, the available evidence is currently insufficient to determine the role of this variant in disease. Therefore, it has been classified as a Variant of Uncertain Significance. Algorithms developed to predict the effect of missense changes on protein structure and function are either unavailable or do not agree on the potential impact of this missense change (SIFT: "Deleterious"; PolyPhen-2: "Possibly Damaging"; Align-GVGD: "Class C0"). This variant has not been reported in the literature in individuals with PTPRC-related conditions. This variant is not present in population databases (ExAC no frequency). This sequence change replaces aspartic acid with valine at codon 543 of the PTPRC protein (p.Asp543Val). The aspartic acid residue is weakly conserved and there is a large physicochemical difference between aspartic acid and valine.